The following is an entry in ClinVar:

ClinVar aggregate classification (germline): Uncertain significance (1 of 4 stars; one submission).

Allele frequency attached by ClinVar (database versions not stated): ExAC 0.00001.
gnomAD v4.1: 4 of 1,612,850 alleles (0.00025%); highest among the groups gnomAD compares: Non-Finnish European, 0.00034%; no homozygotes.

Submission:

Labcorp Genetics (formerly Invitae), Labcorp
Classification: Uncertain significance. Last evaluated: 2023-10-11. Review status: criteria provided, single submitter. Criteria: Invitae Variant Classification Sherloc (09022015). Collection method: clinical testing. Allele origin: germline.
Comment: This sequence change replaces phenylalanine, which is neutral and non-polar, with leucine, which is neutral and non-polar, at codon 22 of the SCO1 protein (p.Phe22Leu). This variant is present in population databases (rs780618786, gnomAD 0.0009%). This variant has not been reported in the literature in individuals affected with SCO1-related conditions. ClinVar contains an entry for this variant (Variation ID: 1015976). Algorithms developed to predict the effect of missense changes on protein structure and function output the following: SIFT: "Not Available"; PolyPhen-2: "Benign"; Align-GVGD: "Not Available". The leucine amino acid residue is found in multiple mammalian species, which suggests that this missense change does not adversely affect protein function. In summary, the available evidence is currently insufficient to determine the role of this variant in disease. Therefore, it has been classified as a Variant of Uncertain Significance.

NM_004589.4(SCO1):c.66C>G (p.Phe22Leu)

Genes: SCO1 (synthesis of cytochrome C oxidase 1; minus strand), LOC112529895 (Sharpr-MPRA regulatory region 5903; plus strand). Cytogenetic location: 17p13.1.
Variant type: single nucleotide variant.
Coding change: c.66C>G on transcript NM_004589.4 (MANE Select); coding-DNA position 66, C replaced by G.
Protein change: p.Phe22Leu; replaces phenylalanine 22 with leucine.
Molecular consequence: missense variant.
Genome position (GRCh38, 1-based): chr17:10,697,442, G>C on the plus strand (C>G on the coding strand, the complement: SCO1 is on the minus strand). VCF-style: chr17-10697442-G-C. GRCh37 (hg19) VCF-style: chr17-10600759-G-C.
Other names: short protein forms F22L.
Identifiers: ClinVar variation 1015976 (VCV001015976.5), dbSNP rs780618786, ClinGen allele CA8393714.